The following is an entry in ClinVar:

ClinVar aggregate classification (germline): Pathogenic (1 of 4 stars; one submission).

Conditions:
Alstrom syndrome (ALMS). Identifiers: Orphanet 64, MedGen C0268425, MONDO:0008763, OMIM 203800.

Submission:

Labcorp Genetics (formerly Invitae), Labcorp
Classification: Pathogenic for Alstrom syndrome. Last evaluated: 2024-03-21. Review status: criteria provided, single submitter. Criteria: Invitae Variant Classification Sherloc (09022015). Collection method: clinical testing. Allele origin: germline.
Comment: This sequence change creates a premature translational stop signal (p.Lys2570*) in the ALMS1 gene. It is expected to result in an absent or disrupted protein product. Loss-of-function variants in ALMS1 are known to be pathogenic (PMID: 17594715). This variant is not present in population databases (gnomAD no frequency). This variant has not been reported in the literature in individuals affected with ALMS1-related conditions. Algorithms developed to predict the effect of sequence changes on RNA splicing suggest that this variant may disrupt the consensus splice site. For these reasons, this variant has been classified as Pathogenic.

Literature cited by the submitters: PubMed 17594715.

NM_001378454.1(ALMS1):c.7705A>T (p.Lys2569Ter)

Gene: ALMS1 (ALMS1 centrosome and basal body associated protein; plus strand). Cytogenetic location: 2p13.1.
Variant type: single nucleotide variant.
Coding change: c.7705A>T on transcript NM_001378454.1 (MANE Select); coding-DNA position 7705, A replaced by T.
Protein change: p.Lys2569Ter; replaces lysine 2569 with a stop codon.
Molecular consequence: nonsense.
Genome position (GRCh38, 1-based): chr2:73,489,664, A>T. VCF-style: chr2-73489664-A-T. GRCh37 (hg19) VCF-style: chr2-73716791-A-T.
Other names: c.7708A>T, p.Lys2570Ter (NM_015120.4); short protein forms K2569*, K2570*.
Identifiers: ClinVar variation 3647171 (VCV003647171.2).